The following is an entry in ClinVar:

NM_000548.5(TSC2):c.4073C>G (p.Pro1358Arg)

Gene: TSC2 (TSC complex subunit 2; plus strand). Cytogenetic location: 16p13.3.
Variant type: single nucleotide variant.
Coding change: c.4073C>G on transcript NM_000548.5 (MANE Select); coding-DNA position 4073, C replaced by G.
Protein change: p.Pro1358Arg; replaces proline 1358 with arginine.
Molecular consequence: missense variant. On other transcripts: non-coding transcript variant (5).
Genome position (GRCh38, 1-based): chr16:2,084,295, C>G. VCF-style: chr16-2084295-C-G. GRCh37 (hg19) VCF-style: chr16-2134296-C-G.
Other names: c.3272C>G, p.Pro1091Arg (NM_001406687.1, NM_001406688.1); c.2660C>G, p.Pro887Arg (NM_001406689.1); c.2600C>G, p.Pro867Arg (NM_001406690.1); c.2597C>G, p.Pro866Arg (NM_001406691.1); c.2531C>G, p.Pro844Arg (NM_001406692.1, NM_001406693.1, NM_001406694.1); c.2528C>G, p.Pro843Arg (NM_001406695.1, NM_001406696.1, NM_001406697.1); c.2270C>G, p.Pro757Arg (NM_001406698.1); c.3944C>G, p.Pro1315Arg (NM_021055.3, NM_001370405.1); and 26 more; short protein forms P1091R, P1092R, P1114R, P1134R, P1135R, P1138R, P1158R, P1242R.
Identifiers: ClinVar variation 4866139 (VCV004866139.1).

ClinVar aggregate classification (germline): Uncertain significance (1 of 4 stars; one submission).

Conditions:
Hereditary cancer-predisposing syndrome. Also called: Neoplastic Syndromes, Hereditary; Tumor predisposition; Hereditary Cancer Syndrome; Hereditary neoplastic syndrome. Identifiers: Orphanet 140162, MedGen C0027672, MeSH D009386, MONDO:0015356.

gnomAD v4.1: 1 of 1,612,590 alleles (0.000062%); highest among the groups gnomAD compares: Non-Finnish European, 0.000085%; no homozygotes.

Submission:

Ambry Genetics
Classification: Uncertain significance for Hereditary cancer-predisposing syndrome. Last evaluated: 2026-06-09. Review status: criteria provided, single submitter. Criteria: Ambry Variant Classification Scheme 2023. Collection method: clinical testing. Allele origin: germline.
Comment: The p.P1358R variant (also known as c.4073C>G), located in coding exon 33 of the TSC2 gene, results from a C to G substitution at nucleotide position 4073. The proline at codon 1358 is replaced by arginine, an amino acid with dissimilar properties. This amino acid position is conserved. In addition, this alteration is predicted to be deleterious by in silico analysis. Based on the available evidence, the clinical significance of this variant remains unclear.